The following is an entry in ClinVar:

NM_005051.3(QARS1):c.2153C>T (p.Ala718Val)

Gene: QARS1 (glutaminyl-tRNA synthetase 1; minus strand). Cytogenetic location: 3p21.31.
Variant type: single nucleotide variant.
Coding change: c.2153C>T on transcript NM_005051.3 (MANE Select); coding-DNA position 2153, C replaced by T.
Protein change: p.Ala718Val; replaces alanine 718 with valine.
Molecular consequence: missense variant. On other transcripts: non-coding transcript variant (1).
Genome position (GRCh38, 1-based): chr3:49,098,116, G>A on the plus strand (C>T on the coding strand, the complement: QARS1 is on the minus strand). VCF-style: chr3-49098116-G-A. GRCh37 (hg19) VCF-style: chr3-49135549-G-A.
Other names: c.2120C>T, p.Ala707Val (NM_001272073.2); short protein forms A718V, A707V.
Identifiers: ClinVar variation 857563 (VCV000857563.4), dbSNP rs1332410993, ClinGen allele CA352697706.
Genomic context (GRCh38, chr3:49,098,116, plus strand): 5'-AAGGGTTTTGCCAGGGCCACAGAGCAGTCCACTAATGCTGCATCCACCACGTGTAGTGAT[G>A]CCTGCAGGCAGGGAACTCAGGCAACCATCCAACCAGGGAGGCCTACCTCCCTCACCCCAA-3'
Protein context (NP_005042.1, residues 708-728): PGGFLSDLNL[Ala718Val]SLHVVDAALV

ClinVar aggregate classification (germline): Uncertain significance (1 of 4 stars; one submission).

Conditions:
Diffuse cerebral and cerebellar atrophy - intractable seizures - progressive microcephaly syndrome. Also called: Microcephaly, progressive, with seizures and cerebral and cerebellar atrophy. Identifiers: Orphanet 404437, MedGen C4014239, MONDO:0014335, OMIM 615760.

Allele frequency attached by ClinVar (database versions not stated): gnomAD 0.00001; TOPMed 0.00001; gnomAD exomes 0.00002 and 0.00004; 1000 Genomes Project 30x 0.00016.
gnomAD v4.1: 11 of 1,614,210 alleles (0.00068%); highest among the groups gnomAD compares: Admixed American, 0.015%; no homozygotes.

Submission:

Labcorp Genetics (formerly Invitae), Labcorp
Classification: Uncertain significance for Diffuse cerebral and cerebellar atrophy - intractable seizures - progressive microcephaly syndrome. Last evaluated: 2022-02-08. Review status: criteria provided, single submitter. Criteria: Invitae Variant Classification Sherloc (09022015). Collection method: clinical testing. Allele origin: germline.
Comment: This sequence change replaces alanine, which is neutral and non-polar, with valine, which is neutral and non-polar, at codon 718 of the QARS protein (p.Ala718Val). This variant is present in population databases (no rsID available, gnomAD 0.03%), including at least one homozygous and/or hemizygous individual. This variant has not been reported in the literature in individuals affected with QARS-related conditions. ClinVar contains an entry for this variant (Variation ID: 857563). Algorithms developed to predict the effect of missense changes on protein structure and function output the following: SIFT: "Tolerated"; PolyPhen-2: "Benign"; Align-GVGD: "Class C0". The valine amino acid residue is found in multiple mammalian species, which suggests that this missense change does not adversely affect protein function. Algorithms developed to predict the effect of sequence changes on RNA splicing suggest that this variant may create or strengthen a splice site. In summary, the available evidence is currently insufficient to determine the role of this variant in disease. Therefore, it has been classified as a Variant of Uncertain Significance.